The following is an entry in ClinVar:

ClinVar aggregate classification (germline): Uncertain significance (1 of 4 stars; one submission).

gnomAD v4.1: 1 of 1,602,244 alleles (0.000062%); highest among the groups gnomAD compares: South Asian, 0.0011%; no homozygotes.

Submission:

Ambry Genetics
Classification: Uncertain significance. Last evaluated: 2025-05-08. Review status: criteria provided, single submitter. Criteria: Ambry Variant Classification Scheme 2023. Collection method: clinical testing. Allele origin: germline.
Comment: The c.-5T>G variant is located in the 5' untranslated region (5&rsquo; UTR) of the KIF1B gene. This variant results from a T to G substitution 5 bases upstream from the first translated codon. This nucleotide position is well conserved in available vertebrate species. The evidence for this gene-disease relationship is limited; therefore, the clinical significance of this alteration is unclear.

NM_001365951.3(KIF1B):c.-5T>G

Genes: KIF1B (kinesin family member 1B; plus strand), LOC129388446 (MPRA-validated peak64 silencer; plus strand). Cytogenetic location: 1p36.22.
Variant type: single nucleotide variant.
Coding change: c.-5T>G on transcript NM_001365951.3 (MANE Select); 5 bases upstream of the start codon, T replaced by G.
Molecular consequence: 5 prime UTR variant.
Genome position (GRCh38, 1-based): chr1:10,232,324, T>G. VCF-style: chr1-10232324-T-G. GRCh37 (hg19) VCF-style: chr1-10292382-T-G.
Other names: c.-5T>G (NM_001365952.1, NM_001365953.1, NM_015074.3 and 1 more transcripts).
Identifiers: ClinVar variation 4043119 (VCV004043119.1).